The following is an entry in ClinVar:

ClinVar aggregate classification (germline): Pathogenic/Likely pathogenic. Review status: criteria provided, multiple submitters, no conflicts (2 of 4 stars). 12 submissions from 12 submitters: Pathogenic (10); Likely pathogenic (1). 1 of the submissions does not count toward it. Last evaluated 2026-01-20.

Conditions:
DHCR7-related disorder. Also called: DHCR7-related condition.
Smith-Lemli-Opitz syndrome (SLOS). Also called: 7-Dehydrocholesterol reductase deficiency; LETHAL ACRODYSGENITAL SYNDROME; POLYDACTYLY, SEX REVERSAL, RENAL HYPOPLASIA, AND UNILOBAR LUNG; RSH SYNDROME; RUTLEDGE LETHAL MULTIPLE CONGENITAL ANOMALY SYNDROME. Identifiers: Orphanet 818, MedGen C0175694, MONDO:0010035, OMIM 270400.

Submissions (12):

Labcorp Genetics (formerly Invitae), Labcorp
Classification: Pathogenic for Smith-Lemli-Opitz syndrome. Last evaluated: 2026-01-20. Review status: criteria provided, single submitter. Criteria: Invitae Variant Classification Sherloc (09022015). Collection method: clinical testing. Allele origin: germline.
Comment: This variant results in the deletion of part of exon 5 (c.385_412+5del) of the DHCR7 gene. It is expected to disrupt RNA splicing. Variants that disrupt the donor or acceptor splice site typically lead to a loss of protein function (PMID: 16199547), and loss-of-function variants in DHCR7 are known to be pathogenic (PMID: 9634533, 10677299). This variant is present in population databases (rs746482788, gnomAD 0.007%). This variant has been observed in individual(s) with Smith-Lemli-Opitz syndrome (PMID: 10602371). In at least one individual the data is consistent with being in trans (on the opposite chromosome) from a pathogenic variant. This variant is also known as 384-IVS5+4 del. ClinVar contains an entry for this variant (Variation ID: 370449). For these reasons, this variant has been classified as Pathogenic.

Natera, Inc.
Classification: Pathogenic for Smith-Lemli-Opitz syndrome. Last evaluated: 2025-09-25. Review status: criteria provided, single submitter. Criteria: Natera Variant Classification Schema (03/2026). Collection method: clinical testing. Allele origin: germline.
Comment: The c.385_412+5delATCCAGGAGGGGGCCGTGACTCCTGCAGGTAGC variant in DHCR7 is a deletion affecting a canonical splice donor site. This variant is expected to result in nonsense mediated decay, truncation, or a dysfunctional protein product. This variant is rare in the general population with a frequency below the threshold expected for the associated phenotype(s). This variant has been observed in one or more individuals affected with the associated recessive disease, as either homozygous or compound heterozygous with a second variant (PMID: 10602371). Given the available evidence, this variant is classified as Pathogenic.

PreventionGenetics, part of Exact Sciences
Classification: Likely pathogenic for DHCR7-related condition. Last evaluated: 2025-08-13. Review status: criteria provided, single submitter. Criteria: ACMG Guidelines, 2015. Collection method: clinical testing. Allele origin: germline.
Comment: The DHCR7 c.385_412+5del33 variant is predicted to result in a deletion affecting a canonical splice site. No aberrant mRNA product was obtained by reverse transcriptase-PCR using primers near the c.385_412+5del33 variant suggesting this variant affects splicing, possibly through nonsense mediated decay (De Brasi et al. 1999. PubMed ID: 10602371). This variant is reported in 0.0080% of alleles in individuals of European (Non-Finnish) descent in gnomAD. This variant is interpreted as likely pathogenic.

Revvity Omics, Revvity
Classification: Pathogenic for Smith-Lemli-Opitz syndrome. Last evaluated: 2025-05-29. Review status: criteria provided, single submitter. Criteria: ACMG Guidelines, 2015. Collection method: clinical testing. Allele origin: germline.

Fulgent Genetics
Classification: Pathogenic for Smith-Lemli-Opitz syndrome. Last evaluated: 2024-03-21. Review status: criteria provided, single submitter. Criteria: ACMG Guidelines, 2015. Collection method: clinical testing. Allele origin: germline.

Laboratory of Medical Genetics, National & Kapodistrian University of Athens
Classification: Pathogenic for Smith-Lemli-Opitz syndrome. Last evaluated: 2024-02-01. Review status: criteria provided, single submitter. Criteria: ACMG Guidelines, 2015. Collection method: curation. Allele origin: germline. Affected: no.

Victorian Clinical Genetics Services, Murdoch Childrens Research Institute
Classification: Pathogenic for Smith-Lemli-Opitz syndrome. Last evaluated: 2023-07-17. Review status: criteria provided, single submitter. Criteria: ACMG Guidelines, 2015. Collection method: clinical testing. Allele origin: germline. Inheritance: Autosomal recessive inheritance. Affected: yes.
Comment: Based on the classification scheme VCGS_Germline_v1.3.4, this variant is classified as Pathogenic. Following criteria are met: 0102 - Loss of function is a known mechanism of disease in this gene and is associated with Smith-Lemli-Opitz syndrome (MIM#270400). (I) 0106 - This gene is associated with autosomal recessive disease. (I) 0115 - Variants in this gene are known to have variable expressivity. Exceptionally mild and severe cases have been reported, with intrafamilial and interfamilial variable expressivity (PMID: 35305950, 20301322). (I) 0211 - Canonical splice site variant without proven consequence on splicing. RT-PCR studies have been undertaken on this variant but the data was not shown in the paper and the interpretation of the results was unclear (PMID: 10602371). (SP) 0251 - This variant is heterozygous. (I) 0304 - Variant is present in gnomAD (v2) <0.01 for a recessive condition (11 heterozygotes, 0 homozygotes). (SP) 0505 - Abnormal splicing is predicted by in silico tools and affected nucleotide is highly conserved. (SP) 0704 - Another smaller deletion variant comparable to the one identified in this case has limited previous evidence for pathogenicity. c.390_412+3del has been observed along with a second DHCR7 variant in two individuals with SLOS (PMID: 22211794). (SP) 0801 - This variant has strong previous evidence of pathogenicity in unrelated individuals. This variant has been classified as likely pathogenic or pathogenic by multiple clinical laboratories in ClinVar, and has been observed as compound heterozygous in two individuals with SLOS in the literature (PMIDs: 17497248, 10602371). (SP) 0905 - No published segregation evidence has been identified for this variant. (I) 1007 - No published functional evidence has been identified for this variant. (I) Legend: (SP) - Supporting pathogenic, (I) - Information, (SB) - Supporting benign

GeneDx
Classification: Pathogenic. Last evaluated: 2023-02-22. Review status: criteria provided, single submitter. Criteria: GeneDx Variant Classification Process June 2021. Collection method: clinical testing. Allele origin: germline. Affected: yes.
Comment: Canonical splice site variant predicted to result in a null allele in a gene for which loss of function is a known mechanism of disease; Not observed at significant frequency in large population cohorts (gnomAD); This variant is associated with the following publications: (PMID: 23042628, 10602371)

Women's Health and Genetics/Laboratory Corporation of America, LabCorp
Classification: Pathogenic for Smith-Lemli-Opitz syndrome. Last evaluated: 2019-07-07. Review status: criteria provided, single submitter. Criteria: LabCorp Variant Classification Summary - May 2015. Collection method: clinical testing. Allele origin: germline.
Comment: Variant summary: DHCR7 c.385_412+5del33 is located to span a canonical splice-site and is predicted to affect mRNA splicing resulting in a significantly altered protein due to either exon skipping, shortening, or inclusion of intronic material. Several computational tools predict a significant impact on normal splicing: Four predict the variant abolishes a 5' splicing donor site. At least one publication reports experimental evidence that this variant affects mRNA splicing demonstrating an altered product that fails to amplify upon RT-PCR presumably due to an unstable mRNA (De Brasi_1999). The variant allele was found at a frequency of 4.4e-05 in 247546 control chromosomes. This frequency is not significantly higher than expected for a pathogenic variant in DHCR7 causing Smith-Lemli-Opitz Syndrome (4.4e-05 vs 0.0043), allowing no conclusion about variant significance. c.385_412+5del33 has been reported in the literature in at-least one individual affected with Smith-Lemli-Opitz Syndrome (De Brasi_1999). Two clinical diagnostic laboratories have submitted clinical-significance assessments for this variant to ClinVar after 2014 without evidence for independent evaluation. All laboratories classified the variant as pathogenic (n=1)/likely pathogenic (n=1). Based on the evidence outlined above, the variant was classified as pathogenic.

Eurofins Ntd Llc (ga)
Classification: Pathogenic. Last evaluated: 2018-07-23. Review status: criteria provided, single submitter. Criteria: EGL ClinVar v180209 classification definitions. Collection method: clinical testing. Allele origin: germline. Observed: 1 variant allele, 1 heterozygote.

Institute of Human Genetics, University Hospital of Duesseldorf
Classification: Pathogenic for Smith-Lemli-Opitz syndrome. Review status: criteria provided, single submitter. Criteria: ACMG Guidelines, 2015. Collection method: not provided. Allele origin: germline. Inheritance: Autosomal recessive inheritance. Affected: yes.

Counsyl
Classification: Likely pathogenic for Smith-Lemli-Opitz syndrome. Last evaluated: 2016-02-16. Review status: no assertion criteria provided. Collection method: clinical testing. Allele origin: unknown. Not counted in ClinVar's aggregate classification.

Literature cited by the submitters: PubMed 16199547 (cited by Labcorp Genetics (formerly Invitae), Labcorp); PubMed 9634533 (cited by Labcorp Genetics (formerly Invitae), Labcorp); PubMed 10677299 (cited by Labcorp Genetics (formerly Invitae), Labcorp); PubMed 10602371 (cited by 4 submitters); PubMed 17497248 (cited by Victorian Clinical Genetics Services, Murdoch Childrens Research Institute); PubMed 20301322 (cited by Victorian Clinical Genetics Services, Murdoch Childrens Research Institute); PubMed 22211794 (cited by Victorian Clinical Genetics Services, Murdoch Childrens Research Institute); PubMed 35305950 (cited by Victorian Clinical Genetics Services, Murdoch Childrens Research Institute).

NM_001360.3(DHCR7):c.385_412+5del

Gene: DHCR7 (7-dehydrocholesterol reductase; minus strand). Cytogenetic location: 11q13.4.
Variant type: Deletion.
Coding change: c.385_412+5del on transcript NM_001360.3 (MANE Select); coding-DNA position 385 through 5 bases into the intron after coding-DNA position 412, 33 bases deleted.
Molecular consequence: splice donor variant.
Genome position (GRCh38, 1-based): chr11:71,442,258-71,442,290, 33 bases deleted; deleting any 33 consecutive bases within chr11:71,442,258-71,442,292 gives the same sequence; the c. name uses the placement nearest the transcript's 3' end. GRCh37 (hg19): chr11:71,153,306-71,153,338.
Other names: c.385_412+5delATCCAGGAGGGGGCCGTGACTCCTGCAGGTAGC (NM_001360.2); c.385_412+5del33 (NM_001360.2); c.385_412+5del (NM_001163817.2).
Identifiers: ClinVar variation 370449 (VCV000370449.29), dbSNP rs746482788, ClinGen allele CA6162587.